The following is an entry in ClinVar:

ClinVar aggregate classification (germline): Conflicting classifications of pathogenicity. Review status: criteria provided, conflicting classifications (1 of 4 stars). 4 submissions from 4 submitters: Uncertain significance (1); Likely benign (2). 1 of the submissions does not count toward it. Last evaluated 2025-07-29.

Conditions:
Joubert syndrome. Also called: Familial aplasia of the vermis; JOUBERT-BOLTSHAUSER SYNDROME. Identifiers: Orphanet 475, MedGen C5979921, MONDO:0018772.
Meckel-Gruber syndrome. Also called: DYSENCEPHALIA SPLANCHNOCYSTICA; GRUBER SYNDROME; Dysencephalia splachnocystica. Identifiers: Orphanet 564, MedGen C0265215, MONDO:0018921.
MKS1-related disorder. Also called: MKS1-related condition; MKS1-related disorders. Identifiers: MedGen CN239382.

Allele frequency attached by ClinVar (database versions not stated): TOPMed 0.00015; ESP Exome Variant Server 0.00016; gnomAD exomes 0.00002 and 0.00005; ExAC 0.00005; gnomAD 0.00011 and 0.00012.
gnomAD v4.1: 48 of 1,603,342 alleles (0.003%); highest among the groups gnomAD compares: African/African-American, 0.047%; no homozygotes.

Submissions (4):

Labcorp Genetics (formerly Invitae), Labcorp
Classification: Likely benign for Joubert syndrome; Meckel-Gruber syndrome. Last evaluated: 2025-07-29. Review status: criteria provided, single submitter. Criteria: Invitae Variant Classification Sherloc (09022015). Collection method: clinical testing. Allele origin: germline.

Blueprint Genetics
Classification: Likely benign. Last evaluated: 2021-07-21. Review status: criteria provided, single submitter. Criteria: ACMG Guidelines, 2015. Collection method: clinical testing. Allele origin: germline.

Eurofins Ntd Llc (ga)
Classification: Uncertain significance. Last evaluated: 2017-08-22. Review status: criteria provided, single submitter. Criteria: EGL Classification Definitions 2015. Collection method: clinical testing. Allele origin: germline. Observed: 2 variant alleles, 2 heterozygotes.

PreventionGenetics, part of Exact Sciences
Classification: Likely benign for MKS1-related condition. Last evaluated: 2019-08-29. Review status: no assertion criteria provided. Collection method: clinical testing. Allele origin: germline. Not counted in ClinVar's aggregate classification.
Comment: This variant is classified as likely benign based on ACMG/AMP sequence variant interpretation guidelines (Richards et al. 2015 PMID: 25741868, with internal and published modifications).

NM_017777.4(MKS1):c.515+8C>T

Gene: MKS1 (MKS transition zone complex subunit 1; minus strand). Cytogenetic location: 17q22.
Variant type: single nucleotide variant.
Coding change: c.515+8C>T on transcript NM_017777.4 (MANE Select); 8 bases into the intron after coding-DNA position 515, C replaced by T.
Molecular consequence: intron variant.
Genome position (GRCh38, 1-based): chr17:58,214,733, G>A on the plus strand (C>T on the coding strand, the complement: MKS1 is on the minus strand). VCF-style: chr17-58214733-G-A. GRCh37 (hg19) VCF-style: chr17-56292094-G-A.
Other names: c.-94-346C>T (NM_001321268.2); c.515+8C>T (NM_001330397.2, NM_001321269.2).
Identifiers: ClinVar variation 593758 (VCV000593758.19), dbSNP rs376823839, ClinGen allele CA8669500.